The following is an entry in ClinVar:

ClinVar aggregate classification (germline): Likely benign. Review status: criteria provided, multiple submitters, no conflicts (2 of 4 stars). 2 submissions from 2 submitters: Likely benign (2). Last evaluated 2024-12-01.

gnomAD v4.1: 17 of 1,614,184 alleles (0.0011%); highest among the groups gnomAD compares: South Asian, 0.013%; no homozygotes.

Submissions (2):

CeGaT Center for Human Genetics Tuebingen
Classification: Likely benign. Last evaluated: 2024-12-01. Review status: criteria provided, single submitter. Criteria: CeGaT Center For Human Genetics Tuebingen Variant Classification Criteria Version 2. Collection method: clinical testing. Allele origin: germline. Affected: yes. Observed: 1 variant allele.
Comment: CHRNA1: BP4, BP7

Blueprint Genetics
Classification: Likely benign. Last evaluated: 2023-03-22. Review status: criteria provided, single submitter. Criteria: ACMG Guidelines, 2015. Collection method: clinical testing. Allele origin: germline.

NM_000079.4(CHRNA1):c.705C>T (p.Ile235=)

Gene: CHRNA1 (cholinergic receptor nicotinic alpha 1 subunit; minus strand). Cytogenetic location: 2q31.1.
Variant type: single nucleotide variant.
Coding change: c.705C>T on transcript NM_000079.4 (MANE Select); coding-DNA position 705, C replaced by T.
Protein change: p.Ile235=; no amino-acid change (isoleucine 235 retained).
Molecular consequence: synonymous variant.
Genome position (GRCh38, 1-based): chr2:174,753,576, G>A on the plus strand (C>T on the coding strand, the complement: CHRNA1 is on the minus strand). VCF-style: chr2-174753576-G-A. GRCh37 (hg19) VCF-style: chr2-175618304-G-A.
Other names: c.780C>T, p.Ile260= (NM_001039523.3).
Identifiers: ClinVar variation 3770793 (VCV003770793.14).